The following is an entry in ClinVar:

NM_053025.4(MYLK):c.1672C>T (p.Arg558Cys)

Gene: MYLK (myosin light chain kinase; minus strand). Cytogenetic location: 3q21.1.
Variant type: single nucleotide variant.
Coding change: c.1672C>T on transcript NM_053025.4 (MANE Select); coding-DNA position 1672, C replaced by T.
Protein change: p.Arg558Cys; replaces arginine 558 with cysteine.
Molecular consequence: missense variant.
Genome position (GRCh38, 1-based): chr3:123,722,260, G>A on the plus strand (C>T on the coding strand, the complement: MYLK is on the minus strand). VCF-style: chr3-123722260-G-A. GRCh37 (hg19) VCF-style: chr3-123441107-G-A.
Other names: c.1144C>T, p.Arg382Cys (NM_001321309.2); c.1465C>T, p.Arg489Cys (NM_053026.4, NM_053028.4); c.1672C>T, p.Arg558Cys (NM_053027.4); short protein forms R382C, R489C, R558C.
Identifiers: ClinVar variation 900847 (VCV000900847.13), dbSNP rs1272395846, ClinGen allele CA354235478.

ClinVar aggregate classification (germline): Uncertain significance. Review status: criteria provided, multiple submitters, no conflicts (2 of 4 stars). 3 submissions from 3 submitters: Uncertain significance (3). Last evaluated 2026-01-14.

Conditions:
Aortic aneurysm, familial thoracic 7 (AAT7). Also called: AORTIC DISSECTION, FAMILIAL, WITH OR WITHOUT AORTIC ANEURYSM. Identifiers: MedGen C3151077, MONDO:0013418, OMIM 613780.
Familial thoracic aortic aneurysm and aortic dissection (TAAD). Also called: Thoracic aortic aneurysms and dissections. Identifiers: Orphanet 91387, MedGen C4707243, MONDO:0019625.

Allele frequency attached by ClinVar (database versions not stated): gnomAD 0.00001; gnomAD exomes 0.00001; TOPMed 0.00005.
gnomAD v4.1: 29 of 1,569,544 alleles (0.0018%); highest among the groups gnomAD compares: Admixed American, 0.0074%; no homozygotes.

Submissions (3):

Labcorp Genetics (formerly Invitae), Labcorp
Classification: Uncertain significance for Aortic aneurysm, familial thoracic 7. Last evaluated: 2026-01-14. Review status: criteria provided, single submitter. Criteria: Invitae Variant Classification Sherloc (09022015). Collection method: clinical testing. Allele origin: germline.
Comment: This sequence change replaces arginine, which is basic and polar, with cysteine, which is neutral and slightly polar, at codon 558 of the MYLK protein (p.Arg558Cys). The frequency data for this variant in the population databases is considered unreliable, as metrics indicate poor data quality at this position in the gnomAD database. This variant has not been reported in the literature in individuals affected with MYLK-related conditions. ClinVar contains an entry for this variant (Variation ID: 900847). Invitae Evidence Modeling of protein sequence and biophysical properties (such as structural, functional, and spatial information, amino acid conservation, physicochemical variation, residue mobility, and thermodynamic stability) indicates that this missense variant is not expected to disrupt MYLK protein function with a negative predictive value of 80%. In summary, the available evidence is currently insufficient to determine the role of this variant in disease. Therefore, it has been classified as a Variant of Uncertain Significance.

Ambry Genetics
Classification: Uncertain significance for Familial thoracic aortic aneurysm and aortic dissection. Last evaluated: 2023-08-20. Review status: criteria provided, single submitter. Criteria: Ambry Variant Classification Scheme 2023. Collection method: clinical testing. Allele origin: germline.

Illumina Laboratory Services, Illumina
Classification: Uncertain significance for Aortic aneurysm, familial thoracic 7. Last evaluated: 2018-01-15. Review status: criteria provided, single submitter. Criteria: ICSL Variant Classification Criteria 13 December 2019. Collection method: clinical testing. Allele origin: germline.